The following is an entry in ClinVar:

ClinVar aggregate classification (germline): Pathogenic (1 of 4 stars; one submission).

Conditions:
Arrhythmogenic cardiomyopathy with wooly hair and keratoderma. Also called: Dilated cardiomyopathy with woolly hair and keratoderma; PALMOPLANTAR KERATODERMA WITH LEFT VENTRICULAR CARDIOMYOPATHY AND WOOLLY HAIR; Carvajal syndrome; Arrhythmogenic cardiomyopathy with woolly hair and keratoderma. Identifiers: Orphanet 65282, MedGen C1854063, MONDO:0011581, OMIM 605676.
Arrhythmogenic right ventricular dysplasia 8 (ARVD8). Also called: Arrhythmogenic Right Ventricular Dysplasia/Cardiomyopathy 8; ARRHYTHMOGENIC RIGHT VENTRICULAR DYSPLASIA, FAMILIAL, 8; ARRHYTHMOGENIC RIGHT VENTRICULAR CARDIOMYOPATHY 8. Identifiers: MedGen C1843896, MONDO:0011831, OMIM 607450.

Submission:

Labcorp Genetics (formerly Invitae), Labcorp
Classification: Pathogenic for Arrhythmogenic cardiomyopathy with wooly hair and keratoderma; Arrhythmogenic right ventricular dysplasia 8. Last evaluated: 2023-04-26. Review status: criteria provided, single submitter. Criteria: Invitae Variant Classification Sherloc (09022015). Collection method: clinical testing. Allele origin: germline.
Comment: This variant has not been reported in the literature in individuals affected with DSP-related conditions. For these reasons, this variant has been classified as Pathogenic. This variant is not present in population databases (gnomAD no frequency). This sequence change creates a premature translational stop signal (p.Tyr846*) in the DSP gene. It is expected to result in an absent or disrupted protein product. Loss-of-function variants in DSP are known to be pathogenic (PMID: 20716751, 24503780, 25227139).

Literature cited by the submitters: PubMed 20716751; PubMed 24503780; PubMed 25227139.

NM_004415.4(DSP):c.2538T>A (p.Tyr846Ter)

Gene: DSP (desmoplakin; plus strand). Cytogenetic location: 6p24.3.
Variant type: single nucleotide variant.
Coding change: c.2538T>A on transcript NM_004415.4 (MANE Select); coding-DNA position 2538, T replaced by A.
Protein change: p.Tyr846Ter; replaces tyrosine 846 with a stop codon.
Molecular consequence: nonsense.
Genome position (GRCh38, 1-based): chr6:7,575,396, T>A. VCF-style: chr6-7575396-T-A. GRCh37 (hg19) VCF-style: chr6-7575629-T-A.
Other names: c.2538T>A, p.Tyr846Ter (NM_001008844.3, NM_001319034.2); short protein forms Y846*.
Identifiers: ClinVar variation 2946118 (VCV002946118.3), dbSNP rs765837163, ClinGen allele CA362681564.
Genomic context (GRCh38, chr6:7,575,396, plus strand): 5'-CACTATGAAGACAGAACTACAGAAAGCCCAGCAGATCCACTCTCAGACTTCACAGCAGTA[T>A]CCACTTTATGATCTGGACTTGGGCAAGTTCGGTGAAAAAGTCACACAGCTGACAGACCGC-3'